The following is an entry in ClinVar:

NM_001148.6(ANK2):c.1527G>T (p.Lys509Asn)

Gene: ANK2 (ankyrin 2; plus strand). Cytogenetic location: 4q26.
Variant type: single nucleotide variant.
Coding change: c.1527G>T on transcript NM_001148.6 (MANE Select); coding-DNA position 1527, G replaced by T.
Protein change: p.Lys509Asn; replaces lysine 509 with asparagine.
Molecular consequence: missense variant.
Genome position (GRCh38, 1-based): chr4:113,274,493, G>T. VCF-style: chr4-113274493-G-T. GRCh37 (hg19) VCF-style: chr4-114195649-G-T.
Other names: c.1464G>T, p.Lys488Asn (NM_001127493.3, NM_001354239.2, NM_001354243.2 and 14 more transcripts); c.1527G>T, p.Lys509Asn (NM_001354225.2, NM_001354228.2, NM_001354232.2 and 8 more transcripts); c.1572G>T, p.Lys524Asn (NM_001354230.2, NM_001354231.2, NM_001354237.2 and 5 more transcripts); c.1440G>T, p.Lys480Asn (NM_001354249.2, NM_001354260.2, NM_001354264.2 and 13 more transcripts); c.1485G>T, p.Lys495Asn (NM_001354261.2, NM_001386147.1, NM_001386160.1); c.1317G>T, p.Lys439Asn (NM_001354269.3); c.1329G>T, p.Lys443Asn (NM_001354273.2); c.1242G>T, p.Lys414Asn (NM_001354277.2, NM_001386157.1, NM_001386158.1); and 4 more; short protein forms K414N, K439N, K443N, K480N, K488N, K495N, K497N, K505N.
Identifiers: ClinVar variation 2582038 (VCV002582038.1), dbSNP rs1258169809, ClinGen allele CA357906730.

ClinVar aggregate classification (germline): Uncertain significance (1 of 4 stars; one submission).

Submission:

GeneDx
Classification: Uncertain significance. Last evaluated: 2023-03-28. Review status: criteria provided, single submitter. Criteria: GeneDx Variant Classification Process June 2021. Collection method: clinical testing. Allele origin: germline. Affected: yes.
Comment: Not observed at significant frequency in large population cohorts (gnomAD); In silico analysis supports that this missense variant has a deleterious effect on protein structure/function; Has not been previously published as pathogenic or benign to our knowledge